The following is an entry in ClinVar:

ClinVar aggregate classification (germline): Uncertain significance. Review status: criteria provided, multiple submitters, no conflicts (2 of 4 stars). 3 submissions from 3 submitters: Uncertain significance (3). Last evaluated 2026-02-13.

Conditions:
Leukoencephalopathy-thalamus and brainstem anomalies-high lactate syndrome. Also called: LEUKOENCEPHALOPATHY WITH THALAMUS AND BRAINSTEM INVOLVEMENT AND HIGH LACTATE; Combined oxidative phosphorylation deficiency 12. Identifiers: Orphanet 314051, MedGen C4706421, MONDO:0013971, OMIM 614924.

Allele frequency attached by ClinVar (database versions not stated): TOPMed 0.00002; gnomAD 0.00003.
gnomAD v4.1: 37 of 1,612,426 alleles (0.0023%); highest among the groups gnomAD compares: Non-Finnish European, 0.0026%; no homozygotes.

Submissions (3):

OLLIN Analises Genomicas, OLLIN
Classification: Uncertain significance for Leukoencephalopathy-thalamus and brainstem anomalies-high lactate syndrome. Last evaluated: 2026-02-13. Review status: criteria provided, single submitter. Criteria: ACMG Guidelines 2015 PMID 25741868. Collection method: clinical testing. Allele origin: germline. Observed: 1 variant allele.
Comment: PM2_P

GeneDx
Classification: Uncertain significance. Last evaluated: 2024-12-30. Review status: criteria provided, single submitter. Criteria: GeneDx Variant Classification Process June 2021. Collection method: clinical testing. Allele origin: germline. Affected: yes.
Comment: Not observed at significant frequency in large population cohorts (gnomAD); In silico analysis supports that this missense variant has a deleterious effect on protein structure/function; This variant is associated with the following publications: (PMID: 39173847, 33962821)

Labcorp Genetics (formerly Invitae), Labcorp
Classification: Uncertain significance. Last evaluated: 2022-02-28. Review status: criteria provided, single submitter. Criteria: Invitae Variant Classification Sherloc (09022015). Collection method: clinical testing. Allele origin: germline.
Comment: This variant is present in population databases (rs756279054, gnomAD 0.007%). This sequence change replaces arginine, which is basic and polar, with tryptophan, which is neutral and slightly polar, at codon 162 of the EARS2 protein (p.Arg162Trp). This variant has not been reported in the literature in individuals affected with EARS2-related conditions. Algorithms developed to predict the effect of missense changes on protein structure and function are either unavailable or do not agree on the potential impact of this missense change (SIFT: "Deleterious"; PolyPhen-2: "Probably Damaging"; Align-GVGD: "Class C0"). In summary, the available evidence is currently insufficient to determine the role of this variant in disease. Therefore, it has been classified as a Variant of Uncertain Significance.

NM_001083614.2(EARS2):c.484C>T (p.Arg162Trp)

Gene: EARS2 (glutamyl-tRNA synthetase 2, mitochondrial; minus strand). Cytogenetic location: 16p12.2.
Variant type: single nucleotide variant.
Coding change: c.484C>T on transcript NM_001083614.2 (MANE Select); coding-DNA position 484, C replaced by T.
Protein change: p.Arg162Trp; replaces arginine 162 with tryptophan.
Molecular consequence: missense variant. On other transcripts: non-coding transcript variant (1).
Genome position (GRCh38, 1-based): chr16:23,544,515, G>A on the plus strand (C>T on the coding strand, the complement: EARS2 is on the minus strand). VCF-style: chr16-23544515-G-A. GRCh37 (hg19) VCF-style: chr16-23555836-G-A.
Other names: c.484C>T, p.Arg162Trp (NM_001308211.1, NM_133451.1); c.484C>T (NM_001083614.1); short protein forms R162W.
Identifiers: ClinVar variation 2416031 (VCV002416031.8), dbSNP rs756279054, ClinGen allele CA7962585.